The following is an entry in ClinVar:

NM_007294.4(BRCA1):c.5240A>T (p.Gln1747Leu)

Gene: BRCA1 (BRCA1 DNA repair associated; minus strand). Cytogenetic location: 17q21.31.
Variant type: single nucleotide variant.
Coding change: c.5240A>T on transcript NM_007294.4 (MANE Select); coding-DNA position 5240, A replaced by T.
Protein change: p.Gln1747Leu; replaces glutamine 1747 with leucine.
Molecular consequence: missense variant. On other transcripts: non-coding transcript variant (1).
Genome position (GRCh38, 1-based): chr17:43,057,089, T>A on the plus strand (A>T on the coding strand, the complement: BRCA1 is on the minus strand). VCF-style: chr17-43057089-T-A. GRCh37 (hg19) VCF-style: chr17-41209106-T-A.
Other names: c.5027A>T, p.Gln1676Leu (NM_001407571.1, NM_001407900.1, NM_001407902.1 and 12 more transcripts); c.5306A>T, p.Gln1769Leu (NM_001407581.1, NM_001407582.1); c.5303A>T, p.Gln1768Leu (NM_001407583.1, NM_001407585.1, NM_001407587.1 and 1 more transcripts); c.5300A>T, p.Gln1767Leu (NM_001407590.1, NM_001407591.1); c.5240A>T, p.Gln1747Leu (NM_001407593.1, NM_001407594.1, NM_001407596.1 and 7 more transcripts); c.5237A>T, p.Gln1746Leu (NM_001407610.1, NM_001407611.1, NM_001407612.1 and 17 more transcripts); c.5234A>T, p.Gln1745Leu (NM_001407629.1, NM_001407630.1, NM_001407631.1 and 14 more transcripts); c.5180A>T, p.Gln1727Leu (NM_001407649.1); and 72 more; short protein forms Q1747L, Q643L, Q1700L, Q1768L, Q1619L, Q1677L, Q1679L, Q1699L.
Identifiers: ClinVar variation 867268 (VCV000867268.3), dbSNP rs2051510661, ClinGen allele CA10591060.
Genomic context (GRCh38, chr17:43,057,089, plus strand): 5'-CAACTTGAGGGAGGGAGCTTTACCTTTCTGTCCTGGGATTCTCTTGCTCGCTTTGGACCT[T>A]GGTGGTTTCTTCCATTGACCACATCTCCTCTGACTTCAAAATCATGCTGAAAGAAACCAA-3'
Protein context (NP_009225.1, residues 1737-1757): RGDVVNGRNH[Gln1747Leu]GPKRARESQD

Conditions:
Breast-ovarian cancer, familial, susceptibility to, 1 (BROVCA1). Also called: BRCA1 Hereditary Breast and Ovarian Cancer; OVARIAN CANCER, SUSCEPTIBILITY TO. Identifiers: Orphanet 145, MedGen C2676676, MONDO:0011450, OMIM 604370. Disease mechanism: loss of function.

Submission:

Brotman Baty Institute, University of Washington
No classification provided (evidence only). Condition: Breast-ovarian cancer, familial 1. Review status: no classification provided. Collection method: in vitro. Allele origin: not applicable. Functional consequence: functionally_normal.
ClinVar note: "not provided" was previously submitted as the classification for the variant. However, the classification appeared to be based only on an observation of functional data so it was converted to no classification on 2025-07-30.